The following is an entry in ClinVar:

ClinVar aggregate classification (germline): Uncertain significance (1 of 4 stars; one submission).

Conditions:
PCNT-related disorder. Also called: PCNT-related condition.

Submission:

PreventionGenetics, part of Exact Sciences
Classification: Uncertain significance for PCNT-related condition. Last evaluated: 2025-11-25. Review status: criteria provided, single submitter. Criteria: ACMG Guidelines, 2015. Collection method: clinical testing. Allele origin: germline.
Comment: The PCNT c.3538A>G variant is predicted to result in the amino acid substitution p.Arg1180Gly. To our knowledge, this variant has not been reported in the literature or in a large population database (gnomAD), indicating this variant is rare. At this time, the clinical significance of this variant is uncertain due to the absence of conclusive functional and genetic evidence.

NM_006031.6(PCNT):c.3538A>G (p.Arg1180Gly)

Gene: PCNT (pericentrin; plus strand). Cytogenetic location: 21q22.3.
Variant type: single nucleotide variant.
Coding change: c.3538A>G on transcript NM_006031.6 (MANE Select); coding-DNA position 3538, A replaced by G.
Protein change: p.Arg1180Gly; replaces arginine 1180 with glycine.
Molecular consequence: missense variant.
Genome position (GRCh38, 1-based): chr21:46,388,815, A>G. VCF-style: chr21-46388815-A-G. GRCh37 (hg19) VCF-style: chr21-47808730-A-G.
Other names: c.3184A>G, p.Arg1062Gly (NM_001315529.2); short protein forms R1062G, R1180G.
Identifiers: ClinVar variation 4989613 (VCV004989613.1).